The following is an entry in ClinVar:

NM_001297.5(CNGB1):c.1896C>A (p.Cys632Ter)

Gene: CNGB1 (cyclic nucleotide gated channel subunit beta 1; minus strand). Cytogenetic location: 16q21.
Variant type: single nucleotide variant.
Coding change: c.1896C>A on transcript NM_001297.5 (MANE Select); coding-DNA position 1896, C replaced by A.
Protein change: p.Cys632Ter; replaces cysteine 632 with a stop codon.
Molecular consequence: nonsense.
Genome position (GRCh38, 1-based): chr16:57,919,160, G>T on the plus strand (C>A on the coding strand, the complement: CNGB1 is on the minus strand). VCF-style: chr16-57919160-G-T. GRCh37 (hg19) VCF-style: chr16-57953064-G-T.
Other names: NP_001288.3:p.(Cys632Ter); c.1878C>A, p.Cys626Ter (NM_001286130.2); short protein forms C632*, C626*.
Identifiers: ClinVar variation 852025 (VCV000852025.10), dbSNP rs774264204, ClinGen allele CA8083244.

ClinVar aggregate classification (germline): Pathogenic. Review status: criteria provided, multiple submitters, no conflicts (2 of 4 stars). 4 submissions from 4 submitters: Pathogenic (4). Last evaluated 2025-12-23.

Conditions:
Retinitis pigmentosa (RP). Identifiers: Orphanet 791, MedGen C0035334, MeSH D012174, MONDO:0019200, OMIM 268000. Inheritance: Autosomal dominant, autosomal recessive and X linked inheritance.
Retinitis pigmentosa 45 (RP45). Identifiers: Orphanet 791, MedGen C3151066, MONDO:0013413, OMIM 613767.

Allele frequency attached by ClinVar (database versions not stated): gnomAD exomes below 0.00001; ExAC 0.00001.
gnomAD v4.1: 2 of 1,614,078 alleles (0.00012%); highest among the groups gnomAD compares: Admixed American, 0.0017%; no homozygotes.

Submissions (4):

Labcorp Genetics (formerly Invitae), Labcorp
Classification: Pathogenic. Last evaluated: 2025-12-23. Review status: criteria provided, single submitter. Criteria: Invitae Variant Classification Sherloc (09022015). Collection method: clinical testing. Allele origin: germline.
Comment: This sequence change creates a premature translational stop signal (p.Cys632*) in the CNGB1 gene. It is expected to result in an absent or disrupted protein product. Loss-of-function variants in CNGB1 are known to be pathogenic (PMID: 15557452, 24043777). This variant is present in population databases (rs774264204, gnomAD no frequency). This premature translational stop signal has been observed in individual(s) with retinitis pigmentosa (PMID: 24043777, 29202463). In at least one individual the data is consistent with being in trans (on the opposite chromosome) from a pathogenic variant. It has also been observed to segregate with disease in related individuals. ClinVar contains an entry for this variant (Variation ID: 852025). For these reasons, this variant has been classified as Pathogenic.

Centre of Medical Genetics, University Hospital Muenster
Classification: Pathogenic. Last evaluated: 2025-08-06. Review status: criteria provided, single submitter. Criteria: ACMG Guidelines, 2015. Collection method: clinical testing. Allele origin: unknown. Affected: yes. Observed: 1 variant allele, 1 heterozygote.
Comment: ACMG categories: PVS1,PM2_sup,PM3_strong,PP4

Ophthalmic Genetics Group, Institute of Molecular and Clinical Ophthalmology Basel
Classification: Pathogenic for Retinitis pigmentosa. Last evaluated: 2023-07-24. Review status: criteria provided, single submitter. Criteria: ACMG Guidelines, 2015. Collection method: research. Allele origin: germline. Affected: yes. Observed: 1 variant allele.
Comment: Clinical significance based on ACMG v2.0

This variant was classified as Pathogenic based on ACMG criteria: PVS1, PM2, PP5.

Ocular Genomics Institute, Massachusetts Eye and Ear
Classification: Pathogenic for Retinitis pigmentosa 45. Last evaluated: 2021-04-08. Review status: criteria provided, single submitter. Criteria: ACMG Guidelines, 2015. Collection method: research. Allele origin: germline. Affected: yes.
Comment: Through a review of available evidence we were able to apply the following criteria: PVS1, PM2, PP1-M. Based on this evidence we have classified this variant as Pathogenic.

Literature cited by the submitters: PubMed 15557452 (cited by Labcorp Genetics (formerly Invitae), Labcorp); PubMed 24043777 (cited by Labcorp Genetics (formerly Invitae), Labcorp and Ocular Genomics Institute, Massachusetts Eye and Ear); PubMed 29202463 (cited by Labcorp Genetics (formerly Invitae), Labcorp and Ocular Genomics Institute, Massachusetts Eye and Ear); PubMed 36909829 (cited by Ophthalmic Genetics Group, Institute of Molecular and Clinical Ophthalmology Basel).